The following is an entry in ClinVar:

ClinVar aggregate classification (germline): Uncertain significance (1 of 4 stars; one submission).

Submission:

Labcorp Genetics (formerly Invitae), Labcorp
Classification: Uncertain significance. Last evaluated: 2026-01-13. Review status: criteria provided, single submitter. Criteria: Invitae Variant Classification Sherloc (09022015). Collection method: clinical testing. Allele origin: germline.
Comment: This sequence change replaces serine, which is neutral and polar, with phenylalanine, which is neutral and non-polar, at codon 169 of the CLCN4 protein (p.Ser169Phe). This variant is not present in population databases (gnomAD no frequency). This variant has not been reported in the literature in individuals affected with CLCN4-related conditions. ClinVar contains an entry for this variant (Variation ID: 1469109). Invitae Evidence Modeling of protein sequence and biophysical properties (such as structural, functional, and spatial information, amino acid conservation, physicochemical variation, residue mobility, and thermodynamic stability) indicates that this missense variant is not expected to disrupt CLCN4 protein function with a negative predictive value of 95%. In summary, the available evidence is currently insufficient to determine the role of this variant in disease. Therefore, it has been classified as a Variant of Uncertain Significance.

NM_001830.4(CLCN4):c.506C>T (p.Ser169Phe)

Gene: CLCN4 (chloride voltage-gated channel 4; plus strand). Cytogenetic location: Xp22.2.
Variant type: single nucleotide variant.
Coding change: c.506C>T on transcript NM_001830.4 (MANE Select); coding-DNA position 506, C replaced by T.
Protein change: p.Ser169Phe; replaces serine 169 with phenylalanine.
Molecular consequence: missense variant.
Genome position (GRCh38, 1-based): chrX:10,198,012, C>T. VCF-style: chrX-10198012-C-T. GRCh37 (hg19) VCF-style: chrX-10166052-C-T.
Other names: c.224C>T, p.Ser75Phe (NM_001256944.2); short protein forms S169F, S75F.
Identifiers: ClinVar variation 1469109 (VCV001469109.8), dbSNP rs2147173825, ClinGen allele CA412034928.